The following is an entry in ClinVar:

ClinVar aggregate classification (germline): Uncertain significance. Review status: criteria provided, multiple submitters, no conflicts (2 of 4 stars). 2 submissions from 2 submitters: Uncertain significance (2). Last evaluated 2025-08-06.

Conditions:
Congenital contractural arachnodactyly (CCA). Also called: BEALS SYNDROME; Arthrogryposis, distal, type 9; Beals-Hecht syndrome. Identifiers: Orphanet 115, MedGen C0220668, MONDO:0007363, OMIM 121050.

Allele frequency attached by ClinVar (database versions not stated): gnomAD exomes 0.00001.
gnomAD v4.1: 15 of 1,613,348 alleles (0.00093%); highest among the groups gnomAD compares: Non-Finnish European, 0.0013%; no homozygotes.

Submissions (2):

GeneDx
Classification: Uncertain significance. Last evaluated: 2025-08-06. Review status: criteria provided, single submitter. Criteria: GeneDx Variant Classification Process June 2021. Collection method: clinical testing. Allele origin: germline. Affected: yes.
Comment: Has not been previously published as pathogenic or benign to our knowledge; Although located in a calcium-binding EGF-like domain of the FBN2 gene, it does not substitute or introduce a cysteine residue (PMID: 19006240, 18767143); Not observed at significant frequency in large population cohorts (gnomAD); In silico analysis supports that this missense variant has a deleterious effect on protein structure/function; In silico analysis suggests this variant may impact gene splicing. In the absence of RNA/functional studies, the actual effect of this sequence change is unknown.; This variant is associated with the following publications: (PMID: 19006240, 18767143)

Labcorp Genetics (formerly Invitae), Labcorp
Classification: Uncertain significance for Congenital contractural arachnodactyly. Last evaluated: 2018-05-23. Review status: criteria provided, single submitter. Criteria: Invitae Variant Classification Sherloc (09022015). Collection method: clinical testing. Allele origin: germline.
Comment: This sequence change replaces threonine with serine at codon 2190 of the FBN2 protein (p.Thr2190Ser). The threonine residue is highly conserved and there is a small physicochemical difference between threonine and serine. This variant is not present in population databases (ExAC no frequency). This variant has not been reported in the literature in individuals with FBN2-related disease. Algorithms developed to predict the effect of missense changes on protein structure and function are either unavailable or do not agree on the potential impact of this missense change (SIFT: "Deleterious"; PolyPhen-2: "Possibly Damaging"; Align-GVGD: "Class C0"). Algorithms developed to predict the effect of sequence changes on RNA splicing suggest that this variant may create or strengthen a splice site, but this prediction has not been confirmed by published transcriptional studies. In summary, the available evidence is currently insufficient to determine the role of this variant in disease. Therefore, it has been classified as a Variant of Uncertain Significance.

NM_001999.4(FBN2):c.6569C>G (p.Thr2190Ser)

Gene: FBN2 (fibrillin 2; minus strand). Cytogenetic location: 5q23.3.
Variant type: single nucleotide variant.
Coding change: c.6569C>G on transcript NM_001999.4 (MANE Select); coding-DNA position 6569, C replaced by G.
Protein change: p.Thr2190Ser; replaces threonine 2190 with serine.
Molecular consequence: missense variant.
Genome position (GRCh38, 1-based): chr5:128,289,195, G>C on the plus strand (C>G on the coding strand, the complement: FBN2 is on the minus strand). VCF-style: chr5-128289195-G-C. GRCh37 (hg19) VCF-style: chr5-127624887-G-C.
Other names: short protein forms T2190S.
Identifiers: ClinVar variation 567999 (VCV000567999.2), dbSNP rs1561750168, ClinGen allele CA360761140.